The following is an entry in ClinVar:

ClinVar aggregate classification (germline): Uncertain significance (1 of 4 stars; one submission).

Allele frequency attached by ClinVar (database versions not stated): gnomAD exomes 0.00001; TOPMed below 0.00001; ExAC 0.00001.
gnomAD v4.1: 3 of 1,614,000 alleles (0.00019%); highest among the groups gnomAD compares: Non-Finnish European, 0.00025%; no homozygotes.

Submission:

Labcorp Genetics (formerly Invitae), Labcorp
Classification: Uncertain significance. Last evaluated: 2022-05-17. Review status: criteria provided, single submitter. Criteria: Invitae Variant Classification Sherloc (09022015). Collection method: clinical testing. Allele origin: germline.
Comment: In summary, the available evidence is currently insufficient to determine the role of this variant in disease. Therefore, it has been classified as a Variant of Uncertain Significance. This sequence change replaces lysine, which is basic and polar, with arginine, which is basic and polar, at codon 318 of the FAM20A protein (p.Lys318Arg). This variant is present in population databases (rs772399767, gnomAD 0.002%). This variant has not been reported in the literature in individuals affected with FAM20A-related conditions. Algorithms developed to predict the effect of missense changes on protein structure and function are either unavailable or do not agree on the potential impact of this missense change (SIFT: "Tolerated"; PolyPhen-2: "Probably Damaging"; Align-GVGD: "Class C0"). Algorithms developed to predict the effect of sequence changes on RNA splicing suggest that this variant may create or strengthen a splice site.

NM_017565.4(FAM20A):c.953A>G (p.Lys318Arg)

Genes: FAM20A (FAM20A golgi associated secretory pathway pseudokinase; minus strand), PRKAR1A (protein kinase cAMP-dependent type I regulatory subunit alpha; plus strand). Cytogenetic location: 17q24.2.
Variant type: single nucleotide variant.
Coding change: c.953A>G on transcript NM_017565.4 (MANE Select); coding-DNA position 953, A replaced by G.
Protein change: p.Lys318Arg; replaces lysine 318 with arginine.
Molecular consequence: missense variant. On other transcripts: non-coding transcript variant (1), intron variant (1).
Genome position (GRCh38, 1-based): chr17:68,542,141, T>C on the plus strand (A>G on the coding strand, the complement: FAM20A is on the minus strand). VCF-style: chr17-68542141-T-C. GRCh37 (hg19) VCF-style: chr17-66538282-T-C.
Other names: c.539A>G, p.Lys180Arg (NM_001243746.2); c.974-8943T>C (NM_001276290.1); short protein forms K180R, K318R.
Identifiers: ClinVar variation 1913484 (VCV001913484.4), dbSNP rs772399767, ClinGen allele CA8729850.
Genomic context (GRCh38, chr17:68,542,141, plus strand): 5'-CCCTCCAGCAGGTGTGGGTTGCCACAGACAGCATACTCCGTCTTGCACATGTATGGACAC[T>C]TGGCGAAGAAGCACACGTTGCTCGCTGGAGGATGGGGAGGAGAGAGGAGGAGTAAGTGGA-3'
Protein context (NP_060035.2, residues 308-328): SPASNVCFFA[Lys318Arg]CPYMCKTEYA